The following is an entry in ClinVar:

ClinVar aggregate classification (germline): Likely pathogenic (1 of 4 stars; one submission).

Submission:

Labcorp Genetics (formerly Invitae), Labcorp
Classification: Likely pathogenic. Last evaluated: 2025-09-23. Review status: criteria provided, single submitter. Criteria: Invitae Variant Classification Sherloc (09022015). Collection method: clinical testing. Allele origin: germline.
Comment: This sequence change affects an acceptor splice site in intron 11 of the CEP152 gene. It is expected to disrupt RNA splicing. Variants that disrupt the donor or acceptor splice site typically lead to a loss of protein function (PMID: 16199547), and loss-of-function variants in CEP152 are known to be pathogenic (PMID: 21131973). This variant is not present in population databases (gnomAD no frequency). This variant has not been reported in the literature in individuals affected with CEP152-related conditions. ClinVar contains an entry for this variant (Variation ID: 3624412). Algorithms developed to predict the effect of sequence changes on RNA splicing suggest that this variant may disrupt the consensus splice site. In summary, the currently available evidence indicates that the variant is pathogenic, but additional data are needed to prove that conclusively. Therefore, this variant has been classified as Likely Pathogenic.

Literature cited by the submitters: PubMed 16199547; PubMed 21131973.

NM_001194998.2(CEP152):c.1414-2A>G

Gene: CEP152 (centrosomal protein 152; minus strand). Cytogenetic location: 15q21.1.
Variant type: single nucleotide variant.
Coding change: c.1414-2A>G on transcript NM_001194998.2 (MANE Select); the canonical splice acceptor site of the intron before coding-DNA position 1414, A replaced by G.
Molecular consequence: splice acceptor variant.
Genome position (GRCh38, 1-based): chr15:48,781,361, T>C on the plus strand (A>G on the coding strand, the complement: CEP152 is on the minus strand). VCF-style: chr15-48781361-T-C. GRCh37 (hg19) VCF-style: chr15-49073558-T-C.
Other names: c.1414-2A>G (NM_014985.4).
Identifiers: ClinVar variation 3624412 (VCV003624412.2).